The following is an entry in ClinVar:

NM_005359.6(SMAD4):c.639C>G (p.Asn213Lys)

Gene: SMAD4 (SMAD family member 4; plus strand). Cytogenetic location: 18q21.2.
Variant type: single nucleotide variant.
Coding change: c.639C>G on transcript NM_005359.6 (MANE Select); coding-DNA position 639, C replaced by G.
Protein change: p.Asn213Lys; replaces asparagine 213 with lysine.
Molecular consequence: missense variant.
Genome position (GRCh38, 1-based): chr18:51,054,965, C>G. VCF-style: chr18-51054965-C-G. GRCh37 (hg19) VCF-style: chr18-48581335-C-G.
Other names: short protein forms N213K.
Identifiers: ClinVar variation 1392459 (VCV001392459.6), dbSNP rs878854767, ClinGen allele CA402461261.

ClinVar aggregate classification (germline): Uncertain significance (1 of 4 stars; one submission).

Conditions:
Juvenile polyposis syndrome (JPS). Identifiers: Orphanet 2929, MedGen C0345893, MONDO:0017380, OMIM 174900.

Submission:

Labcorp Genetics (formerly Invitae), Labcorp
Classification: Uncertain significance for Juvenile polyposis syndrome. Last evaluated: 2021-11-10. Review status: criteria provided, single submitter. Criteria: Invitae Variant Classification Sherloc (09022015). Collection method: clinical testing. Allele origin: germline.
Comment: This sequence change replaces asparagine, which is neutral and polar, with lysine, which is basic and polar, at codon 213 of the SMAD4 protein (p.Asn213Lys). This variant is not present in population databases (gnomAD no frequency). This variant has not been reported in the literature in individuals affected with SMAD4-related conditions. Advanced modeling of protein sequence and biophysical properties (such as structural, functional, and spatial information, amino acid conservation, physicochemical variation, residue mobility, and thermodynamic stability) performed at Invitae indicates that this missense variant is not expected to disrupt SMAD4 protein function. In summary, the available evidence is currently insufficient to determine the role of this variant in disease. Therefore, it has been classified as a Variant of Uncertain Significance.